The following is an entry in ClinVar:

NM_001165963.4(SCN1A):c.4179T>A (p.His1393Gln)

Genes: SCN1A (sodium voltage-gated channel alpha subunit 1; minus strand), LOC102724058 (uncharacterized LOC102724058; plus strand). Cytogenetic location: 2q24.3.
Variant type: single nucleotide variant.
Coding change: c.4179T>A on transcript NM_001165963.4 (MANE Select); coding-DNA position 4179, T replaced by A.
Protein change: p.His1393Gln; replaces histidine 1393 with glutamine.
Molecular consequence: missense variant. On other transcripts: non-coding transcript variant (1).
Genome position (GRCh38, 1-based): chr2:166,002,577, A>T on the plus strand (T>A on the coding strand, the complement: SCN1A is on the minus strand). VCF-style: chr2-166002577-A-T. GRCh37 (hg19) VCF-style: chr2-166859087-A-T.
Other names: c.4095T>A, p.His1365Gln (NM_001165964.3, NM_001353957.2, NM_001353958.2); c.4179T>A, p.His1393Gln (NM_001202435.3, NM_001353948.2); c.4146T>A, p.His1382Gln (NM_001353949.2, NM_001353950.2, NM_001353951.2 and 2 more transcripts); c.4143T>A, p.His1381Gln (NM_001353954.2, NM_001353955.2); c.4092T>A, p.His1364Gln (NM_001353960.2); c.1737T>A, p.His579Gln (NM_001353961.2); short protein forms H1382Q, H1393Q, H1364Q, H1365Q, H1381Q, H579Q.
Identifiers: ClinVar variation 530500 (VCV000530500.9), dbSNP rs772400574, ClinGen allele CA349050160.

ClinVar aggregate classification (germline): Uncertain significance (1 of 4 stars; one submission).

Conditions:
Early-infantile DEE. Also called: Early infantile epileptic encephalopathy; Early infantile epileptic encephalopathy with suppression bursts; Ohtahara syndrome. Identifiers: Orphanet 1934, MedGen C0393706, MONDO:0800491.

Allele frequency attached by ClinVar (database versions not stated): gnomAD 0.00001.
gnomAD v4.1: 5 of 1,611,882 alleles (0.00031%); highest among the groups gnomAD compares: Middle Eastern, 0.016%; no homozygotes.

Submission:

Labcorp Genetics (formerly Invitae), Labcorp
Classification: Uncertain significance for Early-infantile DEE. Last evaluated: 2023-06-27. Review status: criteria provided, single submitter. Criteria: Invitae Variant Classification Sherloc (09022015). Collection method: clinical testing. Allele origin: germline.
Comment: In summary, the available evidence is currently insufficient to determine the role of this variant in disease. Therefore, it has been classified as a Variant of Uncertain Significance. This variant disrupts the p.His1393 amino acid residue in SCN1A. Other variant(s) that disrupt this residue have been determined to be pathogenic (PMID: 17129991, 28084635). This suggests that this residue is clinically significant, and that variants that disrupt this residue are likely to be disease-causing. Advanced modeling of protein sequence and biophysical properties (such as structural, functional, and spatial information, amino acid conservation, physicochemical variation, residue mobility, and thermodynamic stability) performed at Invitae indicates that this missense variant is not expected to disrupt SCN1A protein function. ClinVar contains an entry for this variant (Variation ID: 530500). This missense change has been observed in individuals with clinical features of SCN1A-related conditions (Invitae). This variant is not present in population databases (gnomAD no frequency). This sequence change replaces histidine, which is basic and polar, with glutamine, which is neutral and polar, at codon 1393 of the SCN1A protein (p.His1393Gln).

Literature cited by the submitters: PubMed 17129991; PubMed 28084635.